The following is an entry in ClinVar:

NM_152594.3(SPRED1):c.994C>T (p.Arg332Cys)

Gene: SPRED1 (sprouty related EVH1 domain containing 1; plus strand). Cytogenetic location: 15q14.
Variant type: single nucleotide variant.
Coding change: c.994C>T on transcript NM_152594.3 (MANE Select); coding-DNA position 994, C replaced by T.
Protein change: p.Arg332Cys; replaces arginine 332 with cysteine.
Molecular consequence: missense variant.
Genome position (GRCh38, 1-based): chr15:38,351,323, C>T. VCF-style: chr15-38351323-C-T. GRCh37 (hg19) VCF-style: chr15-38643524-C-T.
Other names: short protein forms R332C.
Identifiers: ClinVar variation 3638539 (VCV003638539.2).

ClinVar aggregate classification (germline): Uncertain significance (1 of 4 stars; one submission).

Conditions:
Legius syndrome. Identifiers: Orphanet 137605, MedGen C1969623, MONDO:0012669, OMIM 611431. Disease mechanism: loss of function.

gnomAD v4.1: 2 of 1,614,044 alleles (0.00012%); highest among the groups gnomAD compares: African/African-American, 0.0013%; no homozygotes.

Submission:

Labcorp Genetics (formerly Invitae), Labcorp
Classification: Uncertain significance for Legius syndrome. Last evaluated: 2025-04-09. Review status: criteria provided, single submitter. Criteria: Invitae Variant Classification Sherloc (09022015). Collection method: clinical testing. Allele origin: germline.
Comment: This sequence change replaces arginine, which is basic and polar, with cysteine, which is neutral and slightly polar, at codon 332 of the SPRED1 protein (p.Arg332Cys). This variant is present in population databases (rs758102077, gnomAD 0.0009%). This variant has not been reported in the literature in individuals affected with SPRED1-related conditions. ClinVar contains an entry for this variant (Variation ID: 3638539). Invitae Evidence Modeling of protein sequence and biophysical properties (such as structural, functional, and spatial information, amino acid conservation, physicochemical variation, residue mobility, and thermodynamic stability) has been performed for this missense variant. However, the output from this modeling did not meet the statistical confidence thresholds required to predict the impact of this variant on SPRED1 protein function. In summary, the available evidence is currently insufficient to determine the role of this variant in disease. Therefore, it has been classified as a Variant of Uncertain Significance.